The following is an entry in ClinVar:

NM_000548.5(TSC2):c.4470G>T (p.Glu1490Asp)

Gene: TSC2 (TSC complex subunit 2; plus strand). Cytogenetic location: 16p13.3.
Variant type: single nucleotide variant.
Coding change: c.4470G>T on transcript NM_000548.5 (MANE Select); coding-DNA position 4470, G replaced by T.
Protein change: p.Glu1490Asp; replaces glutamic acid 1490 with aspartic acid.
Molecular consequence: missense variant.
Genome position (GRCh38, 1-based): chr16:2,084,692, G>T. VCF-style: chr16-2084692-G-T. GRCh37 (hg19) VCF-style: chr16-2134693-G-T.
Other names: c.4269G>T, p.Glu1423Asp (NM_001077183.3); c.4401G>T, p.Glu1467Asp (NM_001114382.3); c.4161G>T, p.Glu1387Asp (NM_001318827.2); c.4125G>T, p.Glu1375Asp (NM_001318829.2); c.3738G>T, p.Glu1246Asp (NM_001318831.2); c.4302G>T, p.Glu1434Asp (NM_001318832.2); c.4272G>T, p.Glu1424Asp (NM_001363528.2); c.4338G>T, p.Glu1446Asp (NM_001370404.1); and 1 more; short protein forms E1490D, E1467D, E1375D, E1387D, E1423D, E1434D, E1446D, E1447D.
Identifiers: ClinVar variation 486695 (VCV000486695.14), dbSNP rs1221986548, ClinGen allele CA394302508.

ClinVar aggregate classification (germline): Conflicting classifications of pathogenicity. Review status: criteria provided, conflicting classifications (1 of 4 stars). 2 submissions from 2 submitters: Uncertain significance (1); Benign (1). Last evaluated 2025-01-03.

Conditions:
Hereditary cancer-predisposing syndrome. Also called: Tumor predisposition; Neoplastic Syndromes, Hereditary; Hereditary Cancer Syndrome; Hereditary neoplastic syndrome. Identifiers: Orphanet 140162, MedGen C0027672, MeSH D009386, MONDO:0015356.
Tuberous sclerosis 2 (TSC2). Identifiers: Orphanet 805, MedGen C1860707, MONDO:0013199, OMIM 613254.

Allele frequency attached by ClinVar (database versions not stated): gnomAD exomes below 0.00001 and 0.00001.
gnomAD v4.1: 7 of 1,598,422 alleles (0.00044%); highest among the groups gnomAD compares: South Asian, 0.0077%; no homozygotes.

Submissions (2):

Ambry Genetics
Classification: Uncertain significance for Hereditary cancer-predisposing syndrome. Last evaluated: 2025-01-03. Review status: criteria provided, single submitter. Criteria: Ambry Variant Classification Scheme 2023. Collection method: clinical testing. Allele origin: germline.
Comment: The p.E1490D variant (also known as c.4470G>T), located in coding exon 33 of the TSC2 gene, results from a G to T substitution at nucleotide position 4470. The glutamic acid at codon 1490 is replaced by aspartic acid, an amino acid with highly similar properties. This amino acid position is highly conserved in available vertebrate species. In addition, this alteration is predicted to be deleterious by in silico analysis. Based on the available evidence, the clinical significance of this variant remains unclear.

Labcorp Genetics (formerly Invitae), Labcorp
Classification: Benign for Tuberous sclerosis 2. Last evaluated: 2024-08-13. Review status: criteria provided, single submitter. Criteria: Invitae Variant Classification Sherloc (09022015). Collection method: clinical testing. Allele origin: germline.